The following is an entry in ClinVar:

ClinVar aggregate classification (germline): Uncertain significance (1 of 4 stars; one submission).

Submission:

Labcorp Genetics (formerly Invitae), Labcorp
Classification: Uncertain significance. Last evaluated: 2023-04-09. Review status: criteria provided, single submitter. Criteria: Invitae Variant Classification Sherloc (09022015). Collection method: clinical testing. Allele origin: germline.
Comment: This sequence change replaces leucine, which is neutral and non-polar, with phenylalanine, which is neutral and non-polar, at codon 3830 of the USH2A protein (p.Leu3830Phe). In summary, the available evidence is currently insufficient to determine the role of this variant in disease. Therefore, it has been classified as a Variant of Uncertain Significance. Advanced modeling of protein sequence and biophysical properties (such as structural, functional, and spatial information, amino acid conservation, physicochemical variation, residue mobility, and thermodynamic stability) performed at Invitae indicates that this missense variant is not expected to disrupt USH2A protein function. This variant has not been reported in the literature in individuals affected with USH2A-related conditions. This variant is not present in population databases (gnomAD no frequency).

NM_206933.4(USH2A):c.11488C>T (p.Leu3830Phe)

Gene: USH2A (usherin; minus strand). Cytogenetic location: 1q41.
Variant type: single nucleotide variant.
Coding change: c.11488C>T on transcript NM_206933.4 (MANE Select); coding-DNA position 11488, C replaced by T.
Protein change: p.Leu3830Phe; replaces leucine 3830 with phenylalanine.
Molecular consequence: missense variant.
Genome position (GRCh38, 1-based): chr1:215,743,237, G>A on the plus strand (C>T on the coding strand, the complement: USH2A is on the minus strand). VCF-style: chr1-215743237-G-A. GRCh37 (hg19) VCF-style: chr1-215916579-G-A.
Other names: short protein forms L3830F.
Identifiers: ClinVar variation 2786648 (VCV002786648.3), dbSNP rs2102727434, ClinGen allele CA344834876.
Genomic context (GRCh38, chr1:215,743,237, plus strand): 5'-CATTTTGACATGCTTGTATCCTTATCTCATACTGTGTGAATGGAGTCAAATTTTCCAGAA[G>A]GGTGGATTGATGATGACCAACGGAGAAGGCCAGAGGTGTTACACTTCCATCATTGAGTAA-3'
Protein context (NP_996816.3, residues 3820-3840): AFSVGHHQST[Leu3830Phe]LENLTPFTQY